The following is an entry in ClinVar:

NM_000393.5(COL5A2):c.2048C>T (p.Pro683Leu)

Gene: COL5A2 (collagen type V alpha 2 chain; minus strand). Cytogenetic location: 2q32.2.
Variant type: single nucleotide variant.
Coding change: c.2048C>T on transcript NM_000393.5 (MANE Select); coding-DNA position 2048, C replaced by T.
Protein change: p.Pro683Leu; replaces proline 683 with leucine.
Molecular consequence: missense variant.
Genome position (GRCh38, 1-based): chr2:189,060,767, G>A on the plus strand (C>T on the coding strand, the complement: COL5A2 is on the minus strand). VCF-style: chr2-189060767-G-A. GRCh37 (hg19) VCF-style: chr2-189925493-G-A.
Other names: c.2048C>T (NM_000393.3); short protein forms P683L.
Identifiers: ClinVar variation 1395025 (VCV001395025.8), dbSNP rs1019506931, ClinGen allele CA62600594.

ClinVar aggregate classification (germline): Uncertain significance. Review status: criteria provided, multiple submitters, no conflicts (2 of 4 stars). 3 submissions from 3 submitters: Uncertain significance (3). Last evaluated 2025-08-01.

Conditions:
Familial thoracic aortic aneurysm and aortic dissection (TAAD). Also called: Thoracic aortic aneurysms and dissections. Identifiers: Orphanet 91387, MedGen C4707243, MONDO:0019625.
Ehlers-Danlos syndrome, classic type, 1 (EDSCL1). Also called: EHLERS-DANLOS SYNDROME, GRAVIS TYPE; EHLERS-DANLOS SYNDROME, SEVERE CLASSIC TYPE; Ehlers-Danlos syndrome, type 1; Ehlers-Danlos Syndrome, Classic Type, COL5A1-Related; EDS I. Identifiers: MedGen C0268335, MONDO:0019567, OMIM 130000.

Allele frequency attached by ClinVar (database versions not stated): gnomAD exomes below 0.00001.
gnomAD v4.1: 8 of 1,613,486 alleles (0.0005%); highest among the groups gnomAD compares: Non-Finnish European, 0.00034%; no homozygotes.

Submissions (3):

GeneDx
Classification: Uncertain significance. Last evaluated: 2025-08-01. Review status: criteria provided, single submitter. Criteria: GeneDx Variant Classification Process June 2021. Collection method: clinical testing. Allele origin: germline. Affected: yes.
Comment: Not observed at significant frequency in large population cohorts (gnomAD); In silico analysis supports that this missense variant has a deleterious effect on protein structure/function; Has not been previously published as pathogenic or benign to our knowledge; This variant is associated with the following publications: (PMID: 22696272)

Ambry Genetics
Classification: Uncertain significance for Familial thoracic aortic aneurysm and aortic dissection. Last evaluated: 2025-01-24. Review status: criteria provided, single submitter. Criteria: Ambry Variant Classification Scheme 2023. Collection method: clinical testing. Allele origin: germline.
Comment: The p.P683L variant (also known as c.2048C>T), located in coding exon 31 of the COL5A2 gene, results from a C to T substitution at nucleotide position 2048. The proline at codon 683 is replaced by leucine, an amino acid with similar properties. This amino acid position is well conserved in available vertebrate species. In addition, the in silico prediction for this alteration is inconclusive. Based on the available evidence, the clinical significance of this variant remains unclear.

Labcorp Genetics (formerly Invitae), Labcorp
Classification: Uncertain significance for Ehlers-Danlos syndrome, classic type, 1. Last evaluated: 2024-08-05. Review status: criteria provided, single submitter. Criteria: Invitae Variant Classification Sherloc (09022015). Collection method: clinical testing. Allele origin: germline.
Comment: This sequence change replaces proline, which is neutral and non-polar, with leucine, which is neutral and non-polar, at codon 683 of the COL5A2 protein (p.Pro683Leu). This variant is present in population databases (no rsID available, gnomAD 0.0009%). This variant has not been reported in the literature in individuals affected with COL5A2-related conditions. ClinVar contains an entry for this variant (Variation ID: 1395025). Advanced modeling of protein sequence and biophysical properties (such as structural, functional, and spatial information, amino acid conservation, physicochemical variation, residue mobility, and thermodynamic stability) performed at Invitae indicates that this missense variant is not expected to disrupt COL5A2 protein function with a negative predictive value of 80%. In summary, the available evidence is currently insufficient to determine the role of this variant in disease. Therefore, it has been classified as a Variant of Uncertain Significance.